The following is an entry in ClinVar:

ClinVar aggregate classification (germline): Uncertain significance. Review status: criteria provided, multiple submitters, no conflicts (2 of 4 stars). 2 submissions from 2 submitters: Uncertain significance (2). Last evaluated 2025-04-23.

Conditions:
ATP8B1-related disorder. Also called: ATP8B1-related condition; ATP8B1-related disorders.
Inborn genetic diseases. Identifiers: MedGen C0950123, MeSH D030342.

gnomAD v4.1: 3 of 1,613,784 alleles (0.00019%); highest among the groups gnomAD compares: Non-Finnish European, 0.00025%; no homozygotes.

Submissions (2):

PreventionGenetics, part of Exact Sciences
Classification: Uncertain significance for ATP8B1-related condition. Last evaluated: 2025-04-23. Review status: criteria provided, single submitter. Criteria: ACMG Guidelines, 2015. Collection method: clinical testing. Allele origin: germline.
Comment: The ATP8B1 c.674A>T variant is predicted to result in the amino acid substitution p.Tyr225Phe. To our knowledge, this variant has not been reported in the literature. This variant is reported in 0.0065% of alleles in individuals of European (Non-Finnish) descent in gnomAD. At this time, the clinical significance of this variant is uncertain due to the absence of conclusive functional and genetic evidence.

Ambry Genetics
Classification: Uncertain significance for Inborn genetic diseases. Last evaluated: 2025-01-29. Review status: criteria provided, single submitter. Criteria: Ambry Variant Classification Scheme 2023. Collection method: clinical testing. Allele origin: germline.

NM_001374385.1(ATP8B1):c.674A>T (p.Tyr225Phe)

Gene: ATP8B1 (ATPase phospholipid transporting 8B1; minus strand). Cytogenetic location: 18q21.31.
Variant type: single nucleotide variant.
Coding change: c.674A>T on transcript NM_001374385.1 (MANE Select); coding-DNA position 674, A replaced by T.
Protein change: p.Tyr225Phe; replaces tyrosine 225 with phenylalanine.
Molecular consequence: missense variant.
Genome position (GRCh38, 1-based): chr18:57,697,642, T>A on the plus strand (A>T on the coding strand, the complement: ATP8B1 is on the minus strand). VCF-style: chr18-57697642-T-A. GRCh37 (hg19) VCF-style: chr18-55364874-T-A.
Other names: c.524A>T, p.Tyr175Phe (NM_001374386.1); c.674A>T, p.Tyr225Phe (NM_005603.6); short protein forms Y225F, Y175F.
Identifiers: ClinVar variation 3807842 (VCV003807842.2).